The following is an entry in ClinVar:

NM_006842.3(SF3B2):c.1182+1G>T

Gene: SF3B2 (splicing factor 3b subunit 2; plus strand). Cytogenetic location: 11q13.1.
Variant type: single nucleotide variant.
Coding change: c.1182+1G>T on transcript NM_006842.3 (MANE Select); the canonical splice donor site of the intron after coding-DNA position 1182, G replaced by T.
Molecular consequence: splice donor variant.
Genome position (GRCh38, 1-based): chr11:66,059,046, G>T. VCF-style: chr11-66059046-G-T. GRCh37 (hg19) VCF-style: chr11-65826517-G-T.
Identifiers: ClinVar variation 4874915 (VCV004874915.2).
Genomic context (GRCh38, chr11:66,059,046, plus strand): 5'-GAACCTGAAATTTACGAGCCCAACTTTATCTTCTTTAAGAGGATCTTTGAGGCTTTTAAG[G>T]TACAAGGAGAGCACACTAGGAAGGGGCAGTGCCAAACAGGGAAGGGGCTCAGAGGTGGGT-3'

ClinVar aggregate classification (germline): Uncertain significance (1 of 4 stars; one submission).

Submission:

CeGaT Center for Human Genetics Tuebingen
Classification: Uncertain significance. Last evaluated: 2026-05-01. Review status: criteria provided, single submitter. Criteria: CeGaT Center For Human Genetics Tuebingen Variant Classification Criteria Version 2. Collection method: clinical testing. Allele origin: germline. Affected: yes. Observed: 1 variant allele.
Comment: SF3B2: PM2, PVS1:Moderate